The following is an entry in ClinVar:

GRCh38/hg38 6q15(chr6:92014053-92467124)x3

Genes: LOC111429613 (FOXA motif-containing MPRA enhancer 210/211; plus strand), LOC126859745 (BRD4-independent group 4 enhancer GRCh37_chr6:93097885-93099084; plus strand), LOC132089501 (Neanderthal introgressed variant-containing enhancer experimental_96858; plus strand), LOC132089502 (Neanderthal introgressed variant-containing enhancer experimental_96913; plus strand). Cytogenetic location: 6q15.
Variant type: copy number gain.
Change: copy number 3 (three copies instead of two) of chr6:92,014,053-92,467,124 (453.1 kb, GRCh38 coordinates, 1-based), cytogenetic band 6q15.
Identifiers: ClinVar variation 59800 (VCV000059800.1).

ClinVar aggregate classification (germline): Benign (1 of 4 stars; one submission).

Submission:

ISCA site 15
Classification: Benign. Last evaluated: 2011-08-12. Review status: criteria provided, single submitter. Criteria: Kaminsky et al. (Genet Med. 2011). Collection method: clinical testing. Allele origin: paternal. Affected: yes. Observed: 1 variant allele.
Comment: Copy number variation identified through the course of routine clinical cytogenomic testing in postnatal populations. Clinical assertions have been curated as described in Kaminsky et al. 2011.